The following is an entry in ClinVar:

NM_001291415.2(KDM6A):c.63G>C (p.Glu21Asp)

Gene: KDM6A (lysine demethylase 6A; plus strand). Cytogenetic location: Xp11.3.
Variant type: single nucleotide variant.
Coding change: c.63G>C on transcript NM_001291415.2 (MANE Select); coding-DNA position 63, G replaced by C.
Protein change: p.Glu21Asp; replaces glutamic acid 21 with aspartic acid.
Molecular consequence: missense variant. On other transcripts: 5 prime UTR variant (1), non-coding transcript variant (1).
Genome position (GRCh38, 1-based): chrX:44,873,614, G>C. VCF-style: chrX-44873614-G-C. GRCh37 (hg19) VCF-style: chrX-44732860-G-C.
Other names: c.63G>C, p.Glu21Asp (NM_001291416.2, NM_001291417.2, NM_001291418.2 and 9 more transcripts); c.-570G>C (NM_001291421.2); short protein forms E21D.
Identifiers: ClinVar variation 2577798 (VCV002577798.2), dbSNP rs2519216374, ClinGen allele CA413020195.
Genomic context (GRCh38, chrX:44,873,614, plus strand): 5'-GAAATCCTGCGGAGTGTCGCTCGCTACCGCCGCCGCTGCCGCCGCCGCTTTCGGTGATGA[G>C]GAAAAGAAAATGGCGGCGGGAAAAGCGAGCGGCGAGAGCGAGGAGGCGTCCCCCAGCCTG-3'
Protein context (NP_001278344.1, residues 11-31): AAAAAAAFGD[Glu21Asp]EKKMAAGKAS

ClinVar aggregate classification (germline): Uncertain significance (1 of 4 stars; one submission).

Submission:

GeneDx
Classification: Uncertain significance. Last evaluated: 2025-09-12. Review status: criteria provided, single submitter. Criteria: GeneDx Variant Classification Process June 2021. Collection method: clinical testing. Allele origin: germline.
Comment: Has not been previously published as pathogenic or benign to our knowledge; Not observed at significant frequency in large population cohorts (gnomAD); In silico analysis suggests that this missense variant does not alter protein structure/function